The following is an entry in ClinVar:

ClinVar aggregate classification (germline): Likely benign (0 of 4 stars; one submission).

Conditions:
DYRK1B-related disorder. Also called: DYRK1B-related condition.

gnomAD v4.1: 1 of 1,614,090 alleles (0.000062%); highest among the groups gnomAD compares: Admixed American, 0.0017%; no homozygotes.

Submission:

PreventionGenetics, part of Exact Sciences
Classification: Likely benign for DYRK1B-related condition. Last evaluated: 2024-02-06. Review status: no assertion criteria provided. Collection method: clinical testing. Allele origin: germline.
Comment: This variant is classified as likely benign based on ACMG/AMP sequence variant interpretation guidelines (Richards et al. 2015 PMID: 25741868, with internal and published modifications).

NM_004714.3(DYRK1B):c.477G>T (p.Leu159=)

Gene: DYRK1B (dual specificity tyrosine phosphorylation regulated kinase 1B; minus strand). Cytogenetic location: 19q13.2.
Variant type: single nucleotide variant.
Coding change: c.477G>T on transcript NM_004714.3 (MANE Select); coding-DNA position 477, G replaced by T.
Protein change: p.Leu159=; no amino-acid change (leucine 159 retained).
Molecular consequence: synonymous variant.
Genome position (GRCh38, 1-based): chr19:39,829,923, C>A on the plus strand (G>T on the coding strand, the complement: DYRK1B is on the minus strand). VCF-style: chr19-39829923-C-A. GRCh37 (hg19) VCF-style: chr19-40320563-C-A.
Other names: c.477G>T, p.Leu159= (NM_006483.3, NM_006484.3).
Identifiers: ClinVar variation 3347199 (VCV003347199.1).